The following is an entry in ClinVar:

ClinVar aggregate classification (germline): Likely benign. Review status: criteria provided, single submitter (1 of 4 stars). 2 submissions from 2 submitters: Likely benign (1). 1 of the submissions does not count toward it. Last evaluated 2026-05-01.

Conditions:
SECISBP2-related disorder. Also called: SECISBP2-related condition.

gnomAD v4.1: 228 of 1,614,062 alleles (0.014%); highest among the groups gnomAD compares: Non-Finnish European, 0.018%; no homozygotes.

Submissions (2):

CeGaT Center for Human Genetics Tuebingen
Classification: Likely benign. Last evaluated: 2026-05-01. Review status: criteria provided, single submitter. Criteria: CeGaT Center For Human Genetics Tuebingen Variant Classification Criteria Version 2. Collection method: clinical testing. Allele origin: germline. Affected: yes. Observed: 1 variant allele.
Comment: SECISBP2: BP4, BP7

PreventionGenetics, part of Exact Sciences
Classification: Likely benign for SECISBP2-related condition. Last evaluated: 2024-04-19. Review status: no assertion criteria provided. Collection method: clinical testing. Allele origin: germline. Not counted in ClinVar's aggregate classification.
Comment: This variant is classified as likely benign based on ACMG/AMP sequence variant interpretation guidelines (Richards et al. 2015 PMID: 25741868, with internal and published modifications).

NM_024077.5(SECISBP2):c.696T>C (p.Asn232=)

Gene: SECISBP2 (SECIS binding protein 2; plus strand). Cytogenetic location: 9q22.2.
Variant type: single nucleotide variant.
Coding change: c.696T>C on transcript NM_024077.5 (MANE Select); coding-DNA position 696, T replaced by C.
Protein change: p.Asn232=; no amino-acid change (asparagine 232 retained).
Molecular consequence: synonymous variant. On other transcripts: 5 prime UTR variant (1).
Genome position (GRCh38, 1-based): chr9:89,328,781, T>C. VCF-style: chr9-89328781-T-C. GRCh37 (hg19) VCF-style: chr9-91943696-T-C.
Other names: c.693T>C, p.Asn231= (NM_001282688.2); c.477T>C, p.Asn159= (NM_001282689.2); c.492T>C, p.Asn164= (NM_001282690.1); c.696T>C, p.Asn232= (NM_001354696.2, NM_001354697.2, NM_001354698.2); c.-152T>C (NM_001354702.2).
Identifiers: ClinVar variation 3351675 (VCV003351675.3).